The following is an entry in ClinVar:

ClinVar aggregate classification (germline): Uncertain significance (1 of 4 stars; one submission).

Allele frequency attached by ClinVar (database versions not stated): TOPMed 0.00001.

Submission:

Labcorp Genetics (formerly Invitae), Labcorp
Classification: Uncertain significance. Last evaluated: 2025-12-24. Review status: criteria provided, single submitter. Criteria: Invitae Variant Classification Sherloc (09022015). Collection method: clinical testing. Allele origin: germline.
Comment: This sequence change replaces alanine, which is neutral and non-polar, with aspartic acid, which is acidic and polar, at codon 403 of the RNF31 protein (p.Ala403Asp). This variant is not present in population databases (gnomAD no frequency). This variant has not been reported in the literature in individuals affected with RNF31-related conditions. ClinVar contains an entry for this variant (Variation ID: 1400651). An algorithm developed to predict the effect of missense changes on protein structure and function (PolyPhen-2) suggests that this variant is likely to be tolerated. In summary, the available evidence is currently insufficient to determine the role of this variant in disease. Therefore, it has been classified as a Variant of Uncertain Significance.

NM_017999.5(RNF31):c.1208C>A (p.Ala403Asp)

Gene: RNF31 (ring finger protein 31; plus strand). Cytogenetic location: 14q12.
Variant type: single nucleotide variant.
Coding change: c.1208C>A on transcript NM_017999.5 (MANE Select); coding-DNA position 1208, C replaced by A.
Protein change: p.Ala403Asp; replaces alanine 403 with aspartic acid.
Molecular consequence: missense variant.
Genome position (GRCh38, 1-based): chr14:24,150,608, C>A. VCF-style: chr14-24150608-C-A. GRCh37 (hg19) VCF-style: chr14-24619817-C-A.
Other names: c.755C>A, p.Ala252Asp (NM_001310332.2); short protein forms A403D, A252D.
Identifiers: ClinVar variation 1400651 (VCV001400651.6), dbSNP rs1288628853, ClinGen allele CA389292587.